The following is an entry in ClinVar:

NM_030962.4(SBF2):c.1604C>T (p.Ser535Leu)

Gene: SBF2 (SET binding factor 2; minus strand). Cytogenetic location: 11p15.4.
Variant type: single nucleotide variant.
Coding change: c.1604C>T on transcript NM_030962.4 (MANE Select); coding-DNA position 1604, C replaced by T.
Protein change: p.Ser535Leu; replaces serine 535 with leucine.
Molecular consequence: missense variant.
Genome position (GRCh38, 1-based): chr11:9,963,879, G>A on the plus strand (C>T on the coding strand, the complement: SBF2 is on the minus strand). VCF-style: chr11-9963879-G-A. GRCh37 (hg19) VCF-style: chr11-9985426-G-A.
Other names: c.1604C>T, p.Ser535Leu (NM_001386339.1); c.1475C>T, p.Ser492Leu (NM_001386342.1); short protein forms S535L, S492L.
Identifiers: ClinVar variation 955641 (VCV000955641.12), dbSNP rs542028180, ClinGen allele CA217664147.

ClinVar aggregate classification (germline): Uncertain significance. Review status: criteria provided, multiple submitters, no conflicts (2 of 4 stars). 3 submissions from 3 submitters: Uncertain significance (3). Last evaluated 2025-02-05.

Conditions:
Inborn genetic diseases. Identifiers: MedGen C0950123, MeSH D030342.
Charcot-Marie-Tooth disease type 4. Also called: Charcot-Marie-Tooth disease, type IV; Charcot-Marie-Tooth, Type 4. Identifiers: Orphanet 64749, MedGen C4082197, MONDO:0018995.

Allele frequency attached by ClinVar (database versions not stated): gnomAD exomes 0.00001.
gnomAD v4.1: 7 of 1,549,048 alleles (0.00045%); highest among the groups gnomAD compares: South Asian, 0.0045%; no homozygotes.

Submissions (3):

Ambry Genetics
Classification: Uncertain significance for Inborn genetic diseases. Last evaluated: 2025-02-05. Review status: criteria provided, single submitter. Criteria: Ambry Variant Classification Scheme 2023. Collection method: clinical testing. Allele origin: germline.

GeneDx
Classification: Uncertain significance. Last evaluated: 2024-08-04. Review status: criteria provided, single submitter. Criteria: GeneDx Variant Classification Process June 2021. Collection method: clinical testing. Allele origin: germline. Affected: yes.
Comment: In silico analysis supports that this missense variant has a deleterious effect on protein structure/function; Has not been previously published as pathogenic or benign to our knowledge

Labcorp Genetics (formerly Invitae), Labcorp
Classification: Uncertain significance for Charcot-Marie-Tooth disease type 4. Last evaluated: 2024-02-24. Review status: criteria provided, single submitter. Criteria: Invitae Variant Classification Sherloc (09022015). Collection method: clinical testing. Allele origin: germline.
Comment: This sequence change replaces serine, which is neutral and polar, with leucine, which is neutral and non-polar, at codon 535 of the SBF2 protein (p.Ser535Leu). This variant is present in population databases (rs542028180, gnomAD 0.006%). This variant has not been reported in the literature in individuals affected with SBF2-related conditions. ClinVar contains an entry for this variant (Variation ID: 955641). Advanced modeling of protein sequence and biophysical properties (such as structural, functional, and spatial information, amino acid conservation, physicochemical variation, residue mobility, and thermodynamic stability) performed at Invitae indicates that this missense variant is not expected to disrupt SBF2 protein function with a negative predictive value of 80%. In summary, the available evidence is currently insufficient to determine the role of this variant in disease. Therefore, it has been classified as a Variant of Uncertain Significance.